The following is an entry in ClinVar:

NM_025137.4(SPG11):c.3552C>T (p.Ser1184=)

Gene: SPG11 (SPG11 vesicle trafficking associated, spatacsin; minus strand). Cytogenetic location: 15q21.1.
Variant type: single nucleotide variant.
Coding change: c.3552C>T on transcript NM_025137.4 (MANE Select); coding-DNA position 3552, C replaced by T.
Protein change: p.Ser1184=; no amino-acid change (serine 1184 retained).
Molecular consequence: synonymous variant.
Genome position (GRCh38, 1-based): chr15:44,600,601, G>A on the plus strand (C>T on the coding strand, the complement: SPG11 is on the minus strand). VCF-style: chr15-44600601-G-A. GRCh37 (hg19) VCF-style: chr15-44892799-G-A.
Other names: p.Ser1184=; c.3552C>T, p.Ser1184= (NM_001160227.2).
Identifiers: ClinVar variation 1664987 (VCV001664987.9), dbSNP rs367780059, ClinGen allele CA270093533.
Genomic context (GRCh38, chr15:44,600,601, plus strand): 5'-ATGTAAATAATAAGCAAAATTCAGACGTTCCACTATAGCATATTTATTAACCAGGTCAGG[G>A]CTAGAGAAATGTGGGAGATGACTCCATGCATCTAGGGGGAAAGTAAAACAATATTAATTA-3'
Protein context (NP_079413.3, residues 1174-1194): DAWSHLPHFS[Ser1184=]PDLVNKYAIV

ClinVar aggregate classification (germline): Likely benign. Review status: criteria provided, multiple submitters, no conflicts (2 of 4 stars). 2 submissions from 2 submitters: Likely benign (2). Last evaluated 2026-01-19.

Conditions:
Hereditary spastic paraplegia 11. Also called: Spastic Paraplegia 11; Spastic paraplegia, mental retardation and thin corpus callosum; SPASTIC PARAPLEGIA, AUTOSOMAL RECESSIVE, COMPLICATED, WITH THIN CORPUS CALLOSUM; SPASTIC PARAPLEGIA, AUTOSOMAL RECESSIVE, WITH MENTAL IMPAIRMENT AND THIN CORPUS CALLOSUM; Nakamura Osame syndrome; Autosomal recessive hereditary spastic paraplegia, mental impairment, and thin corpus callosum. Identifiers: Orphanet 2822, MedGen C1858479, MONDO:0011445, OMIM 604360.

Allele frequency attached by ClinVar (database versions not stated): gnomAD exomes below 0.00001.
gnomAD v4.1: 10 of 1,614,068 alleles (0.00062%); highest among the groups gnomAD compares: Non-Finnish European, 0.00051%; no homozygotes.

Submissions (2):

Labcorp Genetics (formerly Invitae), Labcorp
Classification: Likely benign for Hereditary spastic paraplegia 11. Last evaluated: 2026-01-19. Review status: criteria provided, single submitter. Criteria: Invitae Variant Classification Sherloc (09022015). Collection method: clinical testing. Allele origin: germline.

Mayo Clinic Laboratories, Mayo Clinic
Classification: Likely benign. Last evaluated: 2025-12-14. Review status: criteria provided, single submitter. Criteria: ACMG Guidelines, 2015. Collection method: clinical testing. Allele origin: germline. Observed: 1 variant allele.
Comment: BP4, BP7